The following is an entry in ClinVar:

ClinVar aggregate classification (germline): Conflicting classifications of pathogenicity. Review status: criteria provided, conflicting classifications (1 of 4 stars). 13 submissions from 13 submitters: Likely pathogenic (4); Uncertain significance (5); Likely benign (1). 3 of the submissions do not count toward it. Last evaluated 2026-07-14.

Conditions:
Retinitis pigmentosa (RP). Identifiers: Orphanet 791, MedGen C0035334, MeSH D012174, MONDO:0019200, OMIM 268000. Inheritance: Autosomal dominant, autosomal recessive and X linked inheritance.
Retinitis pigmentosa 25 (RP25). Identifiers: Orphanet 791, MedGen C1864446, MONDO:0011272, OMIM 602772.

Allele frequency attached by ClinVar (database versions not stated): gnomAD 0.00043 and 0.00042; 1000 Genomes Project below 0.00001; ExAC 0.00018; ESP Exome Variant Server 0.00022; TOPMed 0.00047; gnomAD exomes 0.00011.
gnomAD v4.1: 235 of 1,551,100 alleles (0.015%); highest among the groups gnomAD compares: African/African-American, 0.16%; no homozygotes.

Submissions (13):

Department of Molecular Genetics, Istishari Arab Hospital
Classification: Likely pathogenic for Retinitis pigmentosa 25. Last evaluated: 2026-07-14. Review status: criteria provided, single submitter. Criteria: ACMG Guidelines, 2015. Collection method: clinical testing. Allele origin: germline. Inheritance: Autosomal recessive inheritance. Affected: yes.
Comment: The EYS variant c.1852G>A, p.Gly618Ser creates an amino acid change from Gly to Ser at position 618 in exon 12 (of 43). The variant is observed with very low frequency in the gnomAD v4.1.0 dataset (<0.001). This variant was previously reported in patients with Retinitis pigmentosa (PMID: 20333770, 22164218, 31456290, 35836572, 36899994). It is classified as likely pathogenic according to the recommendations of ACMG/AMP/ClinGen SVI guidelines.

MVZ Martinsried, Medicover Genetics
Classification: Uncertain significance for Retinitis pigmentosa 25. Last evaluated: 2026-07-08. Review status: criteria provided, single submitter. Criteria: ClinGen Variant Curation SOP V3.2 + Classification Guidance July2025. Collection method: clinical testing. Allele origin: unknown. Affected: yes. Observed: 1 heterozygote.

Labcorp Genetics (formerly Invitae), Labcorp
Classification: Likely pathogenic. Last evaluated: 2026-01-20. Review status: criteria provided, single submitter. Criteria: Invitae Variant Classification Sherloc (09022015). Collection method: clinical testing. Allele origin: germline.
Comment: This sequence change replaces glycine, which is neutral and non-polar, with serine, which is neutral and polar, at codon 618 of the EYS protein (p.Gly618Ser). This variant is present in population databases (rs142450703, gnomAD 0.1%). This missense change has been observed in individuals with clinical features of EYS-related conditions (PMID: 20333770, 31456290, 35836572; internal data). ClinVar contains an entry for this variant (Variation ID: 551873). Invitae Evidence Modeling of protein sequence and biophysical properties (such as structural, functional, and spatial information, amino acid conservation, physicochemical variation, residue mobility, and thermodynamic stability) indicates that this missense variant is not expected to disrupt EYS protein function with a negative predictive value of 80%. In summary, the currently available evidence indicates that the variant is pathogenic, but additional data are needed to prove that conclusively. Therefore, this variant has been classified as Likely Pathogenic.

First Genomix Gene Laboratory, Genetic Diagnostics Department
Classification: Likely pathogenic for Retinitis pigmentosa 25. Last evaluated: 2025-09-16. Review status: criteria provided, single submitter. Criteria: ACMG Guidelines, 2015. Collection method: clinical testing. Allele origin: germline. Inheritance: Autosomal recessive inheritance. Affected: no. Observed: 1 variant allele.

Women's Health and Genetics/Laboratory Corporation of America, LabCorp
Classification: Likely pathogenic for Retinitis pigmentosa. Last evaluated: 2025-05-21. Review status: criteria provided, single submitter. Criteria: LabCorp Variant Classification Summary - May 2015. Collection method: clinical testing. Allele origin: germline.
Comment: Variant summary: EYS c.1852G>A (p.Gly618Ser) results in a non-conservative amino acid change in the encoded protein sequence. Algorithms developed to predict the effect of missense changes on protein structure and function are either unavailable or do not agree on the potential impact of this missense change. The variant allele was found at a frequency of 0.00011 in 157080 control chromosomes. This frequency is not significantly higher than estimated for a pathogenic variant in EYS causing Retinitis Pigmentosa (0.00011 vs 0.0034), allowing no conclusion about variant significance. c.1852G>A has been observed in individuals affected with Retinitis Pigmentosa (e.g., Audo_2010, Gonzalez-delPozo_2011, Maltese_2022, Placidi_2023, Sharon_2020, internal data). These data indicate that the variant is likely to be associated with disease. To our knowledge, no experimental evidence demonstrating an impact on protein function has been reported. The following publications have been ascertained in the context of this evaluation (PMID: 20333770, 22164218, 35836572, 36899994, 31456290). ClinVar contains an entry for this variant (Variation ID: 551873). Based on the evidence outlined above, the variant was classified as likely pathogenic.

Blueprint Genetics
Classification: Uncertain significance. Last evaluated: 2024-11-11. Review status: criteria provided, single submitter. Criteria: ACMG Guidelines, 2015. Collection method: clinical testing. Allele origin: germline.

CeGaT Center for Human Genetics Tuebingen
Classification: Likely benign. Last evaluated: 2023-05-01. Review status: criteria provided, single submitter. Criteria: CeGaT Center For Human Genetics Tuebingen Variant Classification Criteria Version 2. Collection method: clinical testing. Allele origin: germline. Affected: yes. Observed: 2 variant alleles.
Comment: EYS: BP4

Baylor Genetics
Classification: Uncertain significance for Retinitis pigmentosa 25. Last evaluated: 2022-03-31. Review status: criteria provided, single submitter. Criteria: ACMG Guidelines, 2015. Collection method: clinical testing. Allele origin: unknown.

GeneDx
Classification: Uncertain significance. Last evaluated: 2020-01-08. Review status: criteria provided, single submitter. Criteria: GeneDx Variant Classification Process June 2021. Collection method: clinical testing. Allele origin: germline. Affected: yes.
Comment: In silico analysis, which includes protein predictors and evolutionary conservation, supports a deleterious effect; Identified in individuals with retinitis pigmentosa in published literature, however, this variant did not segregate with disease in one family and another study considered this variant to be likely benign (Audo et al., 2010; Gonzalez-del Pozo et al., 2011; Messchaert et al., 2018); This variant is associated with the following publications: (PMID: 22164218, 29159838, 20333770, 31456290)

Breakthrough Genomics
Classification: Uncertain significance. Review status: criteria provided, single submitter. Criteria: ACMG Guidelines, 2015. Collection method: not provided. Allele origin: germline. Inheritance: Autosomal recessive inheritance. Affected: yes.

Sharon lab, Hadassah-Hebrew University Medical Center
Classification: Likely pathogenic for Retinitis pigmentosa. Last evaluated: 2019-06-23. Review status: no assertion criteria provided. Collection method: research. Allele origin: inherited. Affected: yes. Not counted in ClinVar's aggregate classification.

Counsyl
Classification: Uncertain significance for Retinitis pigmentosa 25. Last evaluated: 2017-05-10. Review status: no assertion criteria provided. Collection method: clinical testing. Allele origin: unknown. Not counted in ClinVar's aggregate classification.

Clinical Genetics DNA and cytogenetics Diagnostics Lab, Erasmus MC, Erasmus Medical Center
Classification: Uncertain significance. Review status: no assertion criteria provided. Collection method: clinical testing. Allele origin: germline. Affected: yes. Study: VKGL Data-share Consensus. Not counted in ClinVar's aggregate classification.

Literature cited by the submitters: PubMed 20333770 (cited by 4 submitters); PubMed 22164218 (cited by 3 submitters); PubMed 31456290 (cited by 3 submitters); PubMed 35836572 (cited by 3 submitters); PubMed 36899994 (cited by Department of Molecular Genetics, Istishari Arab Hospital and Women's Health and Genetics/Laboratory Corporation of America, LabCorp).

NM_001142800.2(EYS):c.1852G>A (p.Gly618Ser)

Gene: EYS (EGF-like photoreceptor maintenance factor; minus strand). Cytogenetic location: 6q12.
Variant type: single nucleotide variant.
Coding change: c.1852G>A on transcript NM_001142800.2 (MANE Select); coding-DNA position 1852, G replaced by A.
Protein change: p.Gly618Ser; replaces glycine 618 with serine.
Molecular consequence: missense variant.
Genome position (GRCh38, 1-based): chr6:65,296,034, C>T on the plus strand (G>A on the coding strand, the complement: EYS is on the minus strand). VCF-style: chr6-65296034-C-T. GRCh37 (hg19) VCF-style: chr6-66005927-C-T.
Other names: p.Gly618Ser; c.1852G>A, p.Gly618Ser (NM_001292009.2); short protein forms G618S.
Identifiers: ClinVar variation 551873 (VCV000551873.45), dbSNP rs142450703, ClinGen allele CA3877366.